The following is an entry in ClinVar:

ClinVar aggregate classification (germline): Uncertain significance (1 of 4 stars; one submission).

Submission:

GeneDx
Classification: Uncertain significance. Last evaluated: 2023-12-09. Review status: criteria provided, single submitter. Criteria: GeneDx Variant Classification Process June 2021. Collection method: clinical testing. Allele origin: germline. Affected: yes.
Comment: In silico analysis supports that this missense variant has a deleterious effect on protein structure/function; Has not been previously published as pathogenic or benign to our knowledge

NM_001257291.2(SLC9A7):c.1199A>G (p.Asn400Ser)

Gene: SLC9A7 (solute carrier family 9 member A7; minus strand). Cytogenetic location: Xp11.3.
Variant type: single nucleotide variant.
Coding change: c.1199A>G on transcript NM_001257291.2 (MANE Select); coding-DNA position 1199, A replaced by G.
Protein change: p.Asn400Ser; replaces asparagine 400 with serine.
Molecular consequence: missense variant.
Genome position (GRCh38, 1-based): chrX:46,651,353, T>C on the plus strand (A>G on the coding strand, the complement: SLC9A7 is on the minus strand). VCF-style: chrX-46651353-T-C. GRCh37 (hg19) VCF-style: chrX-46510788-T-C.
Other names: c.1196A>G, p.Asn399Ser (NM_032591.3); short protein forms N399S, N400S.
Identifiers: ClinVar variation 3343903 (VCV003343903.1).
Genomic context (GRCh38, chrX:46,651,353, plus strand): 5'-TGAGTACCAAGCCTCTCTCTCACCTGCTTGGTTCGACTTCTTGATTCCACCGACAGATTG[T>C]TGTAGGTGTAATGAGCTTGTGTGATTCCACAGAAAAGGACAGCTACAACACCTGTTAAAA-3'
Protein context (NP_001244220.1, residues 390-410): CGITQAHYTY[Asn400Ser]NLSVESRSRT